The following is an entry in ClinVar:

ClinVar aggregate classification (germline): Uncertain significance (1 of 4 stars; one submission).

Submission:

Labcorp Genetics (formerly Invitae), Labcorp
Classification: Uncertain significance. Last evaluated: 2021-11-04. Review status: criteria provided, single submitter. Criteria: Invitae Variant Classification Sherloc (09022015). Collection method: clinical testing. Allele origin: germline.
Comment: This sequence change replaces arginine, which is basic and polar, with lysine, which is basic and polar, at codon 1102 of the KIAA1549 protein (p.Arg1102Lys). This variant is not present in population databases (gnomAD no frequency). In summary, the available evidence is currently insufficient to determine the role of this variant in disease. Therefore, it has been classified as a Variant of Uncertain Significance. Algorithms developed to predict the effect of sequence changes on RNA splicing suggest that this variant may create or strengthen a splice site. Algorithms developed to predict the effect of missense changes on protein structure and function are either unavailable or do not agree on the potential impact of this missense change (SIFT: "Tolerated"; PolyPhen-2: "Probably Damaging"; Align-GVGD: "Class C0"). This variant has not been reported in the literature in individuals affected with KIAA1549-related conditions.

NM_001164665.2(KIAA1549):c.3305G>A (p.Arg1102Lys)

Gene: KIAA1549 (KIAA1549; minus strand). Cytogenetic location: 7q34.
Variant type: single nucleotide variant.
Coding change: c.3305G>A on transcript NM_001164665.2 (MANE Select); coding-DNA position 3305, G replaced by A.
Protein change: p.Arg1102Lys; replaces arginine 1102 with lysine.
Molecular consequence: missense variant.
Genome position (GRCh38, 1-based): chr7:138,907,074, C>T on the plus strand (G>A on the coding strand, the complement: KIAA1549 is on the minus strand). VCF-style: chr7-138907074-C-T. GRCh37 (hg19) VCF-style: chr7-138591820-C-T.
Other names: c.3305G>A, p.Arg1102Lys (NM_020910.3); short protein forms R1102K.
Identifiers: ClinVar variation 1447641 (VCV001447641.4), dbSNP rs1812027670, ClinGen allele CA369385539.